The following is an entry in ClinVar:

NM_002471.4(MYH6):c.4325C>T (p.Ala1442Val)

Gene: MYH6 (myosin heavy chain 6; minus strand). Cytogenetic location: 14q11.2.
Variant type: single nucleotide variant.
Coding change: c.4325C>T on transcript NM_002471.4 (MANE Select); coding-DNA position 4325, C replaced by T.
Protein change: p.Ala1442Val; replaces alanine 1442 with valine.
Molecular consequence: missense variant.
Genome position (GRCh38, 1-based): chr14:23,388,189, G>A on the plus strand (C>T on the coding strand, the complement: MYH6 is on the minus strand). VCF-style: chr14-23388189-G-A. GRCh37 (hg19) VCF-style: chr14-23857398-G-A.
Other names: short protein forms A1442V.
Identifiers: ClinVar variation 518908 (VCV000518908.7), dbSNP rs141534763, ClinGen allele CA7114820.

ClinVar aggregate classification (germline): Uncertain significance. Review status: criteria provided, multiple submitters, no conflicts (2 of 4 stars). 3 submissions from 3 submitters: Uncertain significance (3). Last evaluated 2025-06-14.

Conditions:
Hypertrophic cardiomyopathy 14. Identifiers: MedGen C2750467, MONDO:0013197, OMIM 613251.
Cardiovascular phenotype. Identifiers: MedGen CN230736.

Allele frequency attached by ClinVar (database versions not stated): TOPMed below 0.00001; gnomAD 0.00001 and 0.00003; gnomAD exomes 0.00001; ExAC 0.00002; 1000 Genomes Project 30x 0.00016; 1000 Genomes Project 0.00020.
gnomAD v4.1: 23 of 1,612,334 alleles (0.0014%); highest among the groups gnomAD compares: East Asian, 0.047%; no homozygotes.

Submissions (3):

Labcorp Genetics (formerly Invitae), Labcorp
Classification: Uncertain significance for Hypertrophic cardiomyopathy 14. Last evaluated: 2025-06-14. Review status: criteria provided, single submitter. Criteria: Invitae Variant Classification Sherloc (09022015). Collection method: clinical testing. Allele origin: germline.
Comment: This sequence change replaces alanine, which is neutral and non-polar, with valine, which is neutral and non-polar, at codon 1442 of the MYH6 protein (p.Ala1442Val). This variant is present in population databases (rs141534763, gnomAD 0.006%). This variant has not been reported in the literature in individuals affected with MYH6-related conditions. ClinVar contains an entry for this variant (Variation ID: 518908). Invitae Evidence Modeling of protein sequence and biophysical properties (such as structural, functional, and spatial information, amino acid conservation, physicochemical variation, residue mobility, and thermodynamic stability) indicates that this missense variant is not expected to disrupt MYH6 protein function with a negative predictive value of 80%. In summary, the available evidence is currently insufficient to determine the role of this variant in disease. Therefore, it has been classified as a Variant of Uncertain Significance.

AiLife Diagnostics
Classification: Uncertain significance. Last evaluated: 2022-01-22. Review status: criteria provided, single submitter. Criteria: ACMG Guidelines, 2015. Collection method: clinical testing. Allele origin: germline. Affected: yes. Observed: 1 variant allele.

Ambry Genetics
Classification: Uncertain significance for Cardiovascular phenotype. Last evaluated: 2016-04-18. Review status: criteria provided, single submitter. Criteria: Ambry Variant Classification Scheme 2023. Collection method: clinical testing. Allele origin: germline.
Comment: The p.A1442V variant (also known as c.4325C>T), located in coding exon 28 of the MYH6 gene, results from a C to T substitution at nucleotide position 4325. The alanine at codon 1442 is replaced by valine, an amino acid with similar properties. This variant was previously reported in the SNPDatabase as rs141534763. Based on data from ExAC, the T allele has an overall frequency of approximately <0.01% (2/106208). Based on data from the 1000 Genomes Project, the T allele has an overall frequency of approximately 0.05% (1/2098) total alleles studied. The highest observed frequency was 0.56% (1/178) Japanese alleles. This amino acid position is highly conserved in available vertebrate species. In addition, the in silico prediction for this alteration is inconclusive. Since supporting evidence is limited at this time, the clinical significance of this alteration remains unclear.

Literature cited by the submitters: PubMed 26633542 (cited by AiLife Diagnostics).